The following is an entry in ClinVar:

ClinVar aggregate classification (germline): Uncertain significance. Review status: criteria provided, multiple submitters, no conflicts (2 of 4 stars). 3 submissions from 3 submitters: Uncertain significance (3). Last evaluated 2024-02-23.

Conditions:
Inborn genetic diseases. Identifiers: MedGen C0950123, MeSH D030342.

Allele frequency attached by ClinVar (database versions not stated): gnomAD exomes below 0.00001.
gnomAD v4.1: 6 of 1,613,092 alleles (0.00037%); highest among the groups gnomAD compares: Middle Eastern, 0.016%; no homozygotes.

Submissions (3):

GeneDx
Classification: Uncertain significance. Last evaluated: 2024-02-23. Review status: criteria provided, single submitter. Criteria: GeneDx Variant Classification Process June 2021. Collection method: clinical testing. Allele origin: germline. Affected: yes.
Comment: In silico analysis supports that this missense variant has a deleterious effect on protein structure/function; Has not been previously published as pathogenic or benign to our knowledge

Ambry Genetics
Classification: Uncertain significance for Inborn genetic diseases. Last evaluated: 2022-05-11. Review status: criteria provided, single submitter. Criteria: Ambry Variant Classification Scheme 2023. Collection method: clinical testing. Allele origin: germline.

Blueprint Genetics
Classification: Uncertain significance. Last evaluated: 2020-06-02. Review status: criteria provided, single submitter. Criteria: ACMG Guidelines, 2015. Collection method: clinical testing. Allele origin: germline.

NM_001282684.2(KCTD17):c.517G>A (p.Gly173Ser)

Gene: KCTD17 (potassium channel tetramerization domain containing 17; plus strand). Cytogenetic location: 22q12.3.
Variant type: single nucleotide variant.
Coding change: c.517G>A on transcript NM_001282684.2 (MANE Select); coding-DNA position 517, G replaced by A.
Protein change: p.Gly173Ser; replaces glycine 173 with serine.
Molecular consequence: missense variant.
Genome position (GRCh38, 1-based): chr22:37,059,343, G>A. VCF-style: chr22-37059343-G-A. GRCh37 (hg19) VCF-style: chr22-37455383-G-A.
Other names: c.517G>A, p.Gly173Ser (NM_001282685.2, NM_001282686.2, NM_024681.4); c.538G>A (NM_001282684.1); short protein forms G173S.
Identifiers: ClinVar variation 2289314 (VCV002289314.4), dbSNP rs1370972985, ClinGen allele CA411414654.